The following is an entry in ClinVar:

ClinVar aggregate classification (germline): Pathogenic (1 of 4 stars; one submission).

Conditions:
Hereditary cancer-predisposing syndrome. Also called: Neoplastic Syndromes, Hereditary; Tumor predisposition; Hereditary neoplastic syndrome; Hereditary Cancer Syndrome. Identifiers: Orphanet 140162, MedGen C0027672, MeSH D009386, MONDO:0015356.

Submission:

Ambry Genetics
Classification: Pathogenic for Hereditary cancer-predisposing syndrome. Last evaluated: 2018-09-17. Review status: criteria provided, single submitter. Criteria: Ambry Variant Classification Scheme 2023. Collection method: clinical testing. Allele origin: germline.
Comment: The c.806delA pathogenic mutation, located in coding exon 6 of the STK11 gene, results from a deletion of one nucleotide at nucleotide position 806, causing a translational frameshift with a predicted alternate stop codon (p.K269Rfs*18). This alteration is expected to result in loss of function by premature protein truncation or nonsense-mediated mRNA decay. As such, this alteration is interpreted as a disease-causing mutation.

NM_000455.5(STK11):c.806del (p.Lys269fs)

Gene: STK11 (serine/threonine kinase 11; plus strand). Cytogenetic location: 19p13.3.
Variant type: Deletion.
Coding change: c.806del on transcript NM_000455.5 (MANE Select); coding-DNA position 806, one base deleted (A; older notation c.806delA).
Protein change: p.Lys269fs; shifts the reading frame from lysine 269.
Molecular consequence: frameshift variant.
Genome position (GRCh38, 1-based): chr19:1,221,284, A deleted; the last of 2 consecutive A bases (chr19:1,221,283-1,221,284); deleting either gives the same sequence. VCF-style (leftmost placement, unchanged base first): chr19-1221282-GA-G. GRCh37 (hg19) VCF-style: chr19-1221281-GA-G.
Other names: short protein forms K269fs.
Identifiers: ClinVar variation 827431 (VCV000827431.4), dbSNP rs1599927645, ClinGen allele CA915951589.